The following is an entry in ClinVar:

NM_001378418.1(TCF20):c.2860C>G (p.Pro954Ala)

Gene: TCF20 (transcription factor 20; minus strand). Cytogenetic location: 22q13.2.
Variant type: single nucleotide variant.
Coding change: c.2860C>G on transcript NM_001378418.1 (MANE Select); coding-DNA position 2860, C replaced by G.
Protein change: p.Pro954Ala; replaces proline 954 with alanine.
Molecular consequence: missense variant.
Genome position (GRCh38, 1-based): chr22:42,212,446, G>C on the plus strand (C>G on the coding strand, the complement: TCF20 is on the minus strand). VCF-style: chr22-42212446-G-C. GRCh37 (hg19) VCF-style: chr22-42608452-G-C.
Other names: c.2860C>G, p.Pro954Ala (NM_005650.4, NM_181492.3); short protein forms P954A.
Identifiers: ClinVar variation 3454111 (VCV003454111.2).
Genomic context (GRCh38, chr22:42,212,446, plus strand): 5'-AATCATGGGTTGCTGCTCCAGGGCTGGCATTGCCGCGGTAAGACTCATGCTTGATGCTAG[G>C]AGGATGGCAGTGGTCTCCAGATTTCTTGTTGTTGAAACTAGCTTGAGATTTAGACTGTTC-3'
Protein context (NP_001365347.1, residues 944-964): NKKSGDHCHP[Pro954Ala]SIKHESYRGN

ClinVar aggregate classification (germline): Conflicting classifications of pathogenicity. Review status: criteria provided, conflicting classifications (1 of 4 stars). 2 submissions from 2 submitters: Uncertain significance (1); Likely benign (1). Last evaluated 2025-02-23.

Conditions:
Inborn genetic diseases. Identifiers: MedGen C0950123, MeSH D030342.

Submissions (2):

Labcorp Genetics (formerly Invitae), Labcorp
Classification: Uncertain significance. Last evaluated: 2025-02-23. Review status: criteria provided, single submitter. Criteria: Invitae Variant Classification Sherloc (09022015). Collection method: clinical testing. Allele origin: germline.
Comment: This sequence change replaces proline, which is neutral and non-polar, with alanine, which is neutral and non-polar, at codon 954 of the TCF20 protein (p.Pro954Ala). This variant is not present in population databases (gnomAD no frequency). This variant has not been reported in the literature in individuals affected with TCF20-related conditions. ClinVar contains an entry for this variant (Variation ID: 3454111). An algorithm developed to predict the effect of missense changes on protein structure and function outputs the following: PolyPhen-2: "Benign". The alanine amino acid residue is found in multiple mammalian species, which suggests that this missense change does not adversely affect protein function. In summary, the available evidence is currently insufficient to determine the role of this variant in disease. Therefore, it has been classified as a Variant of Uncertain Significance.

Ambry Genetics
Classification: Likely benign for Inborn genetic diseases. Last evaluated: 2024-10-08. Review status: criteria provided, single submitter. Criteria: Ambry Variant Classification Scheme 2023. Collection method: clinical testing. Allele origin: germline.